The following is an entry in ClinVar:

NM_024675.4(PALB2):c.887T>A (p.Met296Lys)

Gene: PALB2 (partner and localizer of BRCA2; minus strand). Cytogenetic location: 16p12.2.
Variant type: single nucleotide variant.
Coding change: c.887T>A on transcript NM_024675.4 (MANE Select); coding-DNA position 887, T replaced by A.
Protein change: p.Met296Lys; replaces methionine 296 with lysine.
Molecular consequence: missense variant. On other transcripts: initiator codon variant (8), intron variant (3).
Genome position (GRCh38, 1-based): chr16:23,635,659, A>T on the plus strand (T>A on the coding strand, the complement: PALB2 is on the minus strand). VCF-style: chr16-23635659-A-T. GRCh37 (hg19) VCF-style: chr16-23646980-A-T.
Other names: c.827T>A, p.Met276Lys (NM_001407296.1); c.887T>A, p.Met296Lys (NM_001407297.1, NM_001407298.1, NM_001407299.1 and 3 more transcripts); c.2T>A, p.Met1Lys (NM_001407304.1, NM_001407305.1, NM_001407306.1 and 5 more transcripts); c.48+5451T>A (NM_001407314.1); c.-104-5190T>A (NM_001407313.1, NM_001407312.1); short protein forms M1K, M296K, M276K.
Identifiers: ClinVar variation 3413501 (VCV003413501.1).
Genomic context (GRCh38, chr16:23,635,659, plus strand): 5'-GGCAGTTGGCCACTTTTACTTATAGCTTTATTTACAAGGAGGTTATCTGTAGAGACAGTC[A>T]TTTTTTTGCCTTGTGCCTCCAAACTTACAGGTGAAGTAAATCTAATGTTTTTTAGGTCGT-3'
Protein context (NP_078951.2, residues 286-306): PVSLEAQGKK[Met296Lys]TVSTDNLLVN

ClinVar aggregate classification (germline): Uncertain significance (1 of 4 stars; one submission).

Conditions:
Hereditary cancer-predisposing syndrome. Also called: Neoplastic Syndromes, Hereditary; Tumor predisposition; Hereditary Cancer Syndrome; Hereditary neoplastic syndrome. Identifiers: Orphanet 140162, MedGen C0027672, MeSH D009386, MONDO:0015356.

Submission:

Ambry Genetics
Classification: Uncertain significance for Hereditary cancer-predisposing syndrome. Last evaluated: 2024-11-24. Review status: criteria provided, single submitter. Criteria: Ambry Variant Classification Scheme 2023. Collection method: clinical testing. Allele origin: germline.
Comment: The p.M296K variant (also known as c.887T>A), located in coding exon 4 of the PALB2 gene, results from a T to A substitution at nucleotide position 887. The methionine at codon 296 is replaced by lysine, an amino acid with similar properties. This amino acid position is conserved. In addition, this alteration is predicted to be tolerated by in silico analysis. Based on the available evidence, the clinical significance of this variant remains unclear.